The following is an entry in ClinVar:

NM_017780.4(CHD7):c.5131G>A (p.Asp1711Asn)

Gene: CHD7 (chromodomain helicase DNA binding protein 7; plus strand). Cytogenetic location: 8q12.2.
Variant type: single nucleotide variant.
Coding change: c.5131G>A on transcript NM_017780.4 (MANE Select); coding-DNA position 5131, G replaced by A.
Protein change: p.Asp1711Asn; replaces aspartic acid 1711 with asparagine.
Molecular consequence: missense variant. On other transcripts: intron variant (1).
Genome position (GRCh38, 1-based): chr8:60,845,330, G>A. VCF-style: chr8-60845330-G-A. GRCh37 (hg19) VCF-style: chr8-61757889-G-A.
Other names: c.1717-16899G>A (NM_001316690.1); short protein forms D1711N.
Identifiers: ClinVar variation 638056 (VCV000638056.27), dbSNP rs748590759, ClinGen allele CA4760266.

ClinVar aggregate classification (germline): Conflicting classifications of pathogenicity. Review status: criteria provided, conflicting classifications (1 of 4 stars). 4 submissions from 4 submitters: Uncertain significance (2); Benign (1); Likely benign (1). Last evaluated 2024-12-01.

Conditions:
CHARGE syndrome (CHARGE). Also called: Coloboma, heart anomaly, choanal atresia, retardation, genital and ear anomalies; CHARGE association; Hall-Hittner syndrome; Hittner Hirsch Kreh syndrome; CHARGE ASSOCIATION--COLOBOMA, HEART ANOMALY, CHOANAL ATRESIA, RETARDATION, GENITAL AND EAR ANOMALIES. Identifiers: Orphanet 138, MedGen C0265354, MONDO:0008965.

Allele frequency attached by ClinVar (database versions not stated): gnomAD 0.00001; TOPMed 0.00001.
gnomAD v4.1: 12 of 1,613,858 alleles (0.00074%); highest among the groups gnomAD compares: South Asian, 0.0055%; 1 homozygote.

Submissions (4):

CeGaT Center for Human Genetics Tuebingen
Classification: Likely benign. Last evaluated: 2024-12-01. Review status: criteria provided, single submitter. Criteria: CeGaT Center For Human Genetics Tuebingen Variant Classification Criteria Version 2. Collection method: clinical testing. Allele origin: germline. Affected: yes. Observed: 1 variant allele.
Comment: CHD7: BS1

Labcorp Genetics (formerly Invitae), Labcorp
Classification: Benign for CHARGE syndrome. Last evaluated: 2023-04-14. Review status: criteria provided, single submitter. Criteria: Invitae Variant Classification Sherloc (09022015). Collection method: clinical testing. Allele origin: germline.

Baylor-Hopkins Center for Mendelian Genomics, Johns Hopkins University School of Medicine
Classification: Uncertain significance for CHD7-related CHARGE syndrome. Review status: criteria provided, single submitter. Criteria: ACMG Guidelines, 2015. Collection method: research. Allele origin: unknown. Affected: yes. Observed: 1 variant allele, 1 heterozygote.

Neuberg Centre For Genomic Medicine, NCGM
Classification: Uncertain significance for CHD7-related CHARGE syndrome. Review status: criteria provided, single submitter. Criteria: ACMG Guidelines, 2015. Collection method: clinical testing. Allele origin: germline. Inheritance: Autosomal dominant inheritance. Affected: yes.
Comment: The missensec.5131G>Ap.Asp1711Asn variant in CHD7 gene has been reported in heterozygous state in an individual affected with CHD7 related disorder Ramzan M, et. al., 2020. This variant is present with an allele frequency of 0.001% in gnomAD Exomes database. This variant has been reported to the ClinVar database as Benign/ Uncertain Significance. Computational evidence Polyphen - Damaging, SIFT - Tolerated and MutationTaster -Disease causing predicts conflicting evidence on protein structure and function for this variant. The reference amino acid at this position in CHD7 is predicted as conserved by GERP++ and PhyloP across 100 vertebrates. The amino acid Asp at position 1711 is changed to a Asn changing protein sequence and it might alter its composition and physico-chemical properties. For these reasons, this variant has been classified as Variant of Uncertain Significance VUS.